The following is an entry in ClinVar:

ClinVar aggregate classification (germline): Benign. Review status: criteria provided, multiple submitters, no conflicts (2 of 4 stars). 2 submissions from 2 submitters: Benign (2). Last evaluated 2018-01-12.

Conditions:
Intellectual developmental disorder, X-linked 93. Also called: MENTAL RETARDATION, X-LINKED, WITH MACROCEPHALY; Intellectual disability, X-linked 93. Identifiers: MedGen C1970841, MONDO:0010393, OMIM 300659.

Allele frequency attached by ClinVar (database versions not stated): gnomAD 0.00408 and 0.00420; 1000 Genomes Project 30x 0.00104; 1000 Genomes Project 0.00132; TOPMed 0.00356.

Submissions (2):

Illumina Laboratory Services, Illumina
Classification: Benign for Intellectual developmental disorder, X-linked 93. Last evaluated: 2018-01-12. Review status: criteria provided, single submitter. Criteria: ICSL Variant Classification Criteria 13 December 2019. Collection method: clinical testing. Allele origin: germline.
Comment: This variant was observed in the ICSL laboratory as part of a predisposition screen in an ostensibly healthy population. It had not been previously curated by ICSL or reported in the Human Gene Mutation Database (HGMD: prior to June 1st, 2018), and was therefore a candidate for classification through an automated scoring system. Utilizing variant allele frequency, disease prevalence and penetrance estimates, and inheritance mode, an automated score was calculated to assess if this variant is too frequent to cause the disease. Based on the score and internal cut-off values, a variant classified as benign is not then subjected to further curation. The score for this variant resulted in a classification of benign for this disease.

Breakthrough Genomics
Classification: Benign. Review status: criteria provided, single submitter. Criteria: ACMG Guidelines, 2015. Collection method: not provided. Allele origin: germline. Inheritance: X-linked inheritance. Affected: yes.

NM_153252.5(BRWD3):c.*1992G>A

Gene: BRWD3 (bromodomain and WD repeat domain containing 3; minus strand). Cytogenetic location: Xq21.1.
Variant type: single nucleotide variant.
Coding change: c.*1992G>A on transcript NM_153252.5 (MANE Select); 1992 bases downstream of the stop codon, G replaced by A.
Molecular consequence: 3 prime UTR variant.
Genome position (GRCh38, 1-based): chrX:80,674,617, C>T on the plus strand (G>A on the coding strand, the complement: BRWD3 is on the minus strand). VCF-style: chrX-80674617-C-T. GRCh37 (hg19) VCF-style: chrX-79930116-C-T.
Identifiers: ClinVar variation 368713 (VCV000368713.6), dbSNP rs193085939, ClinGen allele CA10654394.